The following is an entry in ClinVar:

NM_017763.6(RNF43):c.1009C>T (p.Arg337Ter)

Gene: RNF43 (ring finger protein 43; minus strand). Cytogenetic location: 17q22.
Variant type: single nucleotide variant.
Coding change: c.1009C>T on transcript NM_017763.6 (MANE Select); coding-DNA position 1009, C replaced by T.
Protein change: p.Arg337Ter; replaces arginine 337 with a stop codon.
Molecular consequence: nonsense.
Genome position (GRCh38, 1-based): chr17:58,358,767, G>A on the plus strand (C>T on the coding strand, the complement: RNF43 is on the minus strand). VCF-style: chr17-58358767-G-A. GRCh37 (hg19) VCF-style: chr17-56436128-G-A.
Other names: c.1009C>T, p.Arg337Ter (NM_001305544.3); c.628C>T, p.Arg210Ter (NM_001305545.2); short protein forms R210*, R337*.
Identifiers: ClinVar variation 2692006 (VCV002692006.3), dbSNP rs1170091784, ClinGen allele CA400332243.

ClinVar aggregate classification (germline): Pathogenic/Likely pathogenic. Review status: criteria provided, multiple submitters, no conflicts (2 of 4 stars). 2 submissions from 2 submitters: Pathogenic (1); Likely pathogenic (1). Last evaluated 2026-02-04.

Conditions:
Sessile serrated polyposis cancer syndrome (SSPCS). Identifiers: Orphanet 157798, MedGen C4310714, MONDO:0014919, OMIM 617108.

Allele frequency attached by ClinVar (database versions not stated): TOPMed below 0.00001.
gnomAD v4.1: 2 of 1,559,538 alleles (0.00013%); highest among the groups gnomAD compares: Non-Finnish European, 0.00017%; no homozygotes.

Submissions (2):

Myriad Genetics, Inc.
Classification: Pathogenic for Sessile serrated polyposis cancer syndrome. Last evaluated: 2026-02-04. Review status: criteria provided, single submitter. Criteria: Myriad Autosomal Dominant, Autosomal Recessive and X-Linked Classification Criteria (2023). Collection method: clinical testing. Allele origin: unknown.
Comment: This variant is considered pathogenic. This variant creates a termination codon and is predicted to result in premature protein truncation.

Center for Genomic Medicine, Rigshospitalet, Copenhagen University Hospital
Classification: Likely pathogenic. Last evaluated: 2025-03-04. Review status: criteria provided, single submitter. Criteria: ACMG Guidelines, 2015. Collection method: clinical testing. Allele origin: germline.